The following is an entry in ClinVar:

ClinVar aggregate classification (germline): Uncertain significance. Review status: criteria provided, multiple submitters, no conflicts (2 of 4 stars). 2 submissions from 2 submitters: Uncertain significance (2). Last evaluated 2026-04-06.

Conditions:
Inborn genetic diseases. Identifiers: MedGen C0950123, MeSH D030342.

gnomAD v4.1: 6 of 1,612,986 alleles (0.00037%); highest among the groups gnomAD compares: East Asian, 0.0089%; no homozygotes.

Submissions (2):

GeneDx
Classification: Uncertain significance. Last evaluated: 2026-04-06. Review status: criteria provided, single submitter. Criteria: GeneDx Variant Classification Process June 2021. Collection method: clinical testing. Allele origin: germline.
Comment: In silico analysis suggests that this missense variant does not alter protein structure/function; Has not been previously published as pathogenic or benign to our knowledge

Ambry Genetics
Classification: Uncertain significance for Inborn genetic diseases. Last evaluated: 2024-01-29. Review status: criteria provided, single submitter. Criteria: Ambry Variant Classification Scheme 2023. Collection method: clinical testing. Allele origin: germline.

NM_001128228.3(TPRN):c.1973C>G (p.Ser658Cys)

Gene: TPRN (taperin; minus strand). Cytogenetic location: 9q34.3.
Variant type: single nucleotide variant.
Coding change: c.1973C>G on transcript NM_001128228.3 (MANE Select); coding-DNA position 1973, C replaced by G.
Protein change: p.Ser658Cys; replaces serine 658 with cysteine.
Molecular consequence: missense variant.
Genome position (GRCh38, 1-based): chr9:137,192,359, G>C on the plus strand (C>G on the coding strand, the complement: TPRN is on the minus strand). VCF-style: chr9-137192359-G-C. GRCh37 (hg19) VCF-style: chr9-140086811-G-C.
Other names: short protein forms S658C.
Identifiers: ClinVar variation 3181623 (VCV003181623.2), dbSNP rs540916630, ClinGen allele CA5362561.